The following is an entry in ClinVar:

NM_172362.3(KCNH1):c.2579A>G (p.Glu860Gly)

Gene: KCNH1 (potassium voltage-gated channel subfamily H member 1; minus strand). Cytogenetic location: 1q32.2.
Variant type: single nucleotide variant.
Coding change: c.2579A>G on transcript NM_172362.3 (MANE Select); coding-DNA position 2579, A replaced by G.
Protein change: p.Glu860Gly; replaces glutamic acid 860 with glycine.
Molecular consequence: missense variant.
Genome position (GRCh38, 1-based): chr1:210,683,672, T>C on the plus strand (A>G on the coding strand, the complement: KCNH1 is on the minus strand). VCF-style: chr1-210683672-T-C. GRCh37 (hg19) VCF-style: chr1-210857014-T-C.
Other names: c.2498A>G, p.Glu833Gly (NM_002238.4); short protein forms E833G, E860G.
Identifiers: ClinVar variation 3360813 (VCV003360813.1).

ClinVar aggregate classification (germline): Uncertain significance (1 of 4 stars; one submission).

gnomAD v4.1: 1 of 1,614,208 alleles (0.000062%); highest among the groups gnomAD compares: Non-Finnish European, 0.000085%; no homozygotes.

Submission:

GeneDx
Classification: Uncertain significance. Last evaluated: 2023-07-05. Review status: criteria provided, single submitter. Criteria: GeneDx Variant Classification Process June 2021. Collection method: clinical testing. Allele origin: germline. Affected: yes.
Comment: Not observed at significant frequency in large population cohorts (gnomAD); In silico analysis supports that this missense variant does not alter protein structure/function; Has not been previously published as pathogenic or benign to our knowledge